The following is an entry in ClinVar:

ClinVar aggregate classification (germline): Uncertain significance (1 of 4 stars; one submission).

Submission:

Ambry Genetics
Classification: Uncertain significance. Last evaluated: 2024-05-02. Review status: criteria provided, single submitter. Criteria: Ambry Variant Classification Scheme 2023. Collection method: clinical testing. Allele origin: germline.
Comment: The p.C231S variant (also known as c.691T>A), located in coding exon 3 of the GALNT12 gene, results from a T to A substitution at nucleotide position 691. The cysteine at codon 231 is replaced by serine, an amino acid with dissimilar properties. This amino acid position is highly conserved in available vertebrate species. In addition, this alteration is predicted to be deleterious by in silico analysis. Since supporting evidence is limited at this time, the clinical significance of this alteration remains unclear.

NM_024642.5(GALNT12):c.691T>A (p.Cys231Ser)

Gene: GALNT12 (polypeptide N-acetylgalactosaminyltransferase 12; plus strand). Cytogenetic location: 9q22.33.
Variant type: single nucleotide variant.
Coding change: c.691T>A on transcript NM_024642.5 (MANE Select); coding-DNA position 691, T replaced by A.
Protein change: p.Cys231Ser; replaces cysteine 231 with serine.
Molecular consequence: missense variant.
Genome position (GRCh38, 1-based): chr9:98,826,901, T>A. VCF-style: chr9-98826901-T-A. GRCh37 (hg19) VCF-style: chr9-101589183-T-A.
Other names: short protein forms C231S.
Identifiers: ClinVar variation 1756167 (VCV001756167.3), dbSNP rs751874783, ClinGen allele CA374217737.